The following is an entry in ClinVar:

ClinVar aggregate classification (germline): Uncertain significance (1 of 4 stars; one submission).

Conditions:
Hereditary cancer-predisposing syndrome. Also called: Tumor predisposition; Hereditary Cancer Syndrome; Neoplastic Syndromes, Hereditary; Hereditary neoplastic syndrome. Identifiers: Orphanet 140162, MedGen C0027672, MeSH D009386, MONDO:0015356.

Submission:

Ambry Genetics
Classification: Uncertain significance for Hereditary cancer-predisposing syndrome. Last evaluated: 2025-04-04. Review status: criteria provided, single submitter. Criteria: Ambry Variant Classification Scheme 2023. Collection method: clinical testing. Allele origin: germline.
Comment: The p.K1002T variant (also known as c.3005A>C), located in coding exon 14 of the BLM gene, results from an A to C substitution at nucleotide position 3005. The lysine at codon 1002 is replaced by threonine, an amino acid with similar properties. This amino acid position is well conserved in available vertebrate species. In addition, the in silico prediction for this alteration is inconclusive. Since supporting evidence is limited at this time, the clinical significance of this alteration remains unclear.

NM_000057.4(BLM):c.3005A>C (p.Lys1002Thr)

Gene: BLM (BLM RecQ like helicase; plus strand). Cytogenetic location: 15q26.1.
Variant type: single nucleotide variant.
Coding change: c.3005A>C on transcript NM_000057.4 (MANE Select); coding-DNA position 3005, A replaced by C.
Protein change: p.Lys1002Thr; replaces lysine 1002 with threonine.
Molecular consequence: missense variant.
Genome position (GRCh38, 1-based): chr15:90,790,830, A>C. VCF-style: chr15-90790830-A-C. GRCh37 (hg19) VCF-style: chr15-91334060-A-C.
Other names: c.3005A>C, p.Lys1002Thr (NM_001287246.2, NM_001287247.2); c.1880A>C, p.Lys627Thr (NM_001287248.2); short protein forms K1002T, K627T.
Identifiers: ClinVar variation 822557 (VCV000822557.5), dbSNP rs1596257327, ClinGen allele CA393846598.